The following is an entry in ClinVar:

ClinVar aggregate classification (germline): Likely benign. Review status: criteria provided, single submitter (1 of 4 stars). 2 submissions from 2 submitters: Likely benign (1). 1 of the submissions does not count toward it. Last evaluated 2025-01-19.

Conditions:
Rubinstein-Taybi syndrome due to EP300 haploinsufficiency. Also called: EP300-Related Rubinstein-Taybi Syndrome; RUBINSTEIN-TAYBI SYNDROME 2. Identifiers: Orphanet 353284, Orphanet 783, MedGen C3150941, MONDO:0013364, OMIM 613684.
EP300-related disorder. Also called: EP300-related disorders; EP300-related condition.

Allele frequency attached by ClinVar (database versions not stated): gnomAD 0.00001.
gnomAD v4.1: 7 of 1,613,638 alleles (0.00043%); highest among the groups gnomAD compares: Admixed American, 0.0033%; no homozygotes.

Submissions (2):

Labcorp Genetics (formerly Invitae), Labcorp
Classification: Likely benign for Rubinstein-Taybi syndrome due to EP300 haploinsufficiency. Last evaluated: 2025-01-19. Review status: criteria provided, single submitter. Criteria: Invitae Variant Classification Sherloc (09022015). Collection method: clinical testing. Allele origin: germline.

PreventionGenetics, part of Exact Sciences
Classification: Likely benign for EP300-related condition. Last evaluated: 2022-11-04. Review status: no assertion criteria provided. Collection method: clinical testing. Allele origin: germline. Not counted in ClinVar's aggregate classification.
Comment: This variant is classified as likely benign based on ACMG/AMP sequence variant interpretation guidelines (Richards et al. 2015 PMID: 25741868, with internal and published modifications).

NM_001429.4(EP300):c.7230A>G (p.Thr2410=)

Gene: EP300 (EP300 lysine acetyltransferase; plus strand). Cytogenetic location: 22q13.2.
Variant type: single nucleotide variant.
Coding change: c.7230A>G on transcript NM_001429.4 (MANE Select); coding-DNA position 7230, A replaced by G.
Protein change: p.Thr2410=; no amino-acid change (threonine 2410 retained).
Molecular consequence: synonymous variant.
Genome position (GRCh38, 1-based): chr22:41,178,941, A>G. VCF-style: chr22-41178941-A-G. GRCh37 (hg19) VCF-style: chr22-41574945-A-G.
Other names: c.7152A>G, p.Thr2384= (NM_001362843.2); c.7230A>G (NM_001429.3).
Identifiers: ClinVar variation 2085465 (VCV002085465.6), dbSNP rs1399174163, ClinGen allele CA514794695.